The following is an entry in ClinVar:

NM_000062.3(SERPING1):c.793T>C (p.Trp265Arg)

Gene: SERPING1 (serpin family G member 1; plus strand). Cytogenetic location: 11q12.1.
Variant type: single nucleotide variant.
Coding change: c.793T>C on transcript NM_000062.3 (MANE Select); coding-DNA position 793, T replaced by C.
Protein change: p.Trp265Arg; replaces tryptophan 265 with arginine.
Molecular consequence: missense variant.
Genome position (GRCh38, 1-based): chr11:57,606,117, T>C. VCF-style: chr11-57606117-T-C. GRCh37 (hg19) VCF-style: chr11-57373590-T-C.
Other names: c.793T>C, p.Trp265Arg (NM_001032295.2); short protein forms W265R.
Identifiers: ClinVar variation 3336792 (VCV003336792.2).
Genomic context (GRCh38, chr11:57,606,117, plus strand): 5'-AGCAGCAGCCCCAGAGTCCTAAGCAACAACAGTGACGCCAACTTGGAGCTCATCAACACC[T>C]GGGTGGCCAAGAACACCAACAACAAGATCAGCCGGCTGCTAGACAGTCTGCCCTCCGATA-3'
Protein context (NP_000053.2, residues 255-275): SDANLELINT[Trp265Arg]VAKNTNNKIS

ClinVar aggregate classification (germline): Pathogenic (1 of 4 stars; one submission).

Conditions:
Hereditary angioedema type 1 (HAE1). Identifiers: Orphanet 100050, Orphanet 100051, Orphanet 91378, MedGen C2717906, MONDO:0015053, OMIM 106100.

Submission:

DNA-diagnostics Laboratory, Research Centre For Medical Genetics
Classification: Pathogenic for Hereditary angioedema type 1. Last evaluated: 2024-08-12. Review status: criteria provided, single submitter. Criteria: ACMG Guidelines, 2015. Collection method: research. Allele origin: germline. Inheritance: Autosomal dominant inheritance. Affected: yes. Observed: 1 variant allele, 1 heterozygote.
Comment: The pathogenic or likely pathogenic SERPING1 gene variants are detected in >90% of the HAE1/2 families and in >80% of the total HAE families (e.g., DOI: 10.1016/j.molimm.2008.05.007, 10.1159/2F000138883, 10.1016/j.molimm.2011.07.010). The same variant has previously been reported in 1 HAE1 family case and 1 HAE1/2 case with an unknowm family angioedema history (DOI: 10.1111/ahg.12052, 10.1016/j.gene.2018.05.029). In summary, the c.707T>C variant in SERPING1 meets ACMG/ClinGen SVI guidance criteria to be classified as pathogenic: PP4_Str, PS4_Mod, PP3_Mod, PM2_Sup, PP2

Literature cited by the submitters: DOI 10.1111/ahg.12052; DOI 10.1016/j.gene.2018.05.029.